The following is an entry in ClinVar:

NM_032119.4(ADGRV1):c.4187T>A (p.Leu1396His)

Gene: ADGRV1 (adhesion G protein-coupled receptor V1; plus strand). Cytogenetic location: 5q14.3.
Variant type: single nucleotide variant.
Coding change: c.4187T>A on transcript NM_032119.4 (MANE Select); coding-DNA position 4187, T replaced by A.
Protein change: p.Leu1396His; replaces leucine 1396 with histidine.
Molecular consequence: missense variant. On other transcripts: non-coding transcript variant (1).
Genome position (GRCh38, 1-based): chr5:90,653,761, T>A. VCF-style: chr5-90653761-T-A. GRCh37 (hg19) VCF-style: chr5-89949578-T-A.
Other names: short protein forms L1396H.
Identifiers: ClinVar variation 4767951 (VCV004767951.1).
Genomic context (GRCh38, chr5:90,653,761, plus strand): 5'-ACGGTAATGGAAGCATCTACTACGGGGTAAAAATACAAACAAACGAATCCCATGTGACAC[T>A]TTCCCTTCATTATAAAACCTTGGGTTCCAATGCTACATACATTGCCAAGACAACAGTCAT-3'
Protein context (NP_115495.3, residues 1386-1406): KIQTNESHVT[Leu1396His]SLHYKTLGSN

ClinVar aggregate classification (germline): Uncertain significance (1 of 4 stars; one submission).

Submission:

Labcorp Genetics (formerly Invitae), Labcorp
Classification: Uncertain significance. Last evaluated: 2025-08-02. Review status: criteria provided, single submitter. Criteria: Invitae Variant Classification Sherloc (09022015). Collection method: clinical testing. Allele origin: germline.
Comment: This sequence change replaces leucine, which is neutral and non-polar, with histidine, which is basic and polar, at codon 1396 of the ADGRV1 protein (p.Leu1396His). This variant is not present in population databases (gnomAD no frequency). This variant has not been reported in the literature in individuals affected with ADGRV1-related conditions. Invitae Evidence Modeling of protein sequence and biophysical properties (such as structural, functional, and spatial information, amino acid conservation, physicochemical variation, residue mobility, and thermodynamic stability) has been performed for this missense variant. However, the output from this modeling did not meet the statistical confidence thresholds required to predict the impact of this variant on ADGRV1 protein function. In summary, the available evidence is currently insufficient to determine the role of this variant in disease. Therefore, it has been classified as a Variant of Uncertain Significance.